The following is an entry in ClinVar:

NM_007194.4(CHEK2):c.185C>T (p.Ser62Phe)

Gene: CHEK2 (checkpoint kinase 2; minus strand). Cytogenetic location: 22q12.1.
Variant type: single nucleotide variant.
Coding change: c.185C>T on transcript NM_007194.4 (MANE Select); coding-DNA position 185, C replaced by T.
Protein change: p.Ser62Phe; replaces serine 62 with phenylalanine.
Molecular consequence: missense variant.
Genome position (GRCh38, 1-based): chr22:28,734,537, G>A on the plus strand (C>T on the coding strand, the complement: CHEK2 is on the minus strand). VCF-style: chr22-28734537-G-A. GRCh37 (hg19) VCF-style: chr22-29130525-G-A.
Other names: c.185C>T, p.Ser62Phe (NM_001005735.3, NM_001349956.3, NM_145862.3); c.-593C>T (NM_001257387.3); short protein forms S62F.
Identifiers: ClinVar variation 231882 (VCV000231882.19), dbSNP rs876659424, ClinGen allele CA10581110.

ClinVar aggregate classification (germline): Uncertain significance. Review status: criteria provided, multiple submitters, no conflicts (2 of 4 stars). 6 submissions from 6 submitters: Uncertain significance (6). Last evaluated 2025-12-06.

Conditions:
Hereditary cancer-predisposing syndrome. Also called: Neoplastic Syndromes, Hereditary; Tumor predisposition; Hereditary Cancer Syndrome; Hereditary neoplastic syndrome. Identifiers: Orphanet 140162, MedGen C0027672, MeSH D009386, MONDO:0015356.
Familial cancer of breast. Also called: BREAST CANCER, FAMILIAL; hereditary breast carcinoma; Hereditary breast cancer. Identifiers: Orphanet 227535, MedGen C0346153, MONDO:0016419, OMIM 114480. Disease mechanism: loss of function.

gnomAD v4.1: 1 of 1,613,852 alleles (0.000062%); no homozygotes.

Submissions (6):

Labcorp Genetics (formerly Invitae), Labcorp
Classification: Uncertain significance for Familial cancer of breast. Last evaluated: 2025-12-06. Review status: criteria provided, single submitter. Criteria: Invitae Variant Classification Sherloc (09022015). Collection method: clinical testing. Allele origin: germline.
Comment: This sequence change replaces serine, which is neutral and polar, with phenylalanine, which is neutral and non-polar, at codon 62 of the CHEK2 protein (p.Ser62Phe). This variant is not present in population databases (gnomAD no frequency). This variant has not been reported in the literature in individuals affected with CHEK2-related conditions. ClinVar contains an entry for this variant (Variation ID: 231882). An algorithm developed to predict the effect of missense changes on protein structure and function (PolyPhen-2) suggests that this variant is likely to be disruptive. In summary, the available evidence is currently insufficient to determine the role of this variant in disease. Therefore, it has been classified as a Variant of Uncertain Significance.

Ambry Genetics
Classification: Uncertain significance for Hereditary cancer-predisposing syndrome. Last evaluated: 2024-07-22. Review status: criteria provided, single submitter. Criteria: Ambry Variant Classification Scheme 2023. Collection method: clinical testing. Allele origin: germline.
Comment: The p.S62F variant (also known as c.185C>T), located in coding exon 1 of the CHEK2 gene, results from a C to T substitution at nucleotide position 185. The serine at codon 62 is replaced by phenylalanine, an amino acid with highly dissimilar properties. This amino acid position is highly conserved in available vertebrate species. In addition, this alteration is predicted to be deleterious by in silico analysis. Since supporting evidence is limited at this time, the clinical significance of this alteration remains unclear.

Women's Health and Genetics/Laboratory Corporation of America, LabCorp
Classification: Uncertain significance. Last evaluated: 2023-11-25. Review status: criteria provided, single submitter. Criteria: LabCorp Variant Classification Summary - May 2015. Collection method: clinical testing. Allele origin: germline.

Quest Diagnostics Nichols Institute San Juan Capistrano
Classification: Uncertain significance. Last evaluated: 2021-01-05. Review status: criteria provided, single submitter. Criteria: Quest Diagnostics criteria. Collection method: clinical testing. Allele origin: unknown.

GeneDx
Classification: Uncertain significance. Last evaluated: 2019-09-24. Review status: criteria provided, single submitter. Criteria: GeneDx Variant Classification Process June 2021. Collection method: clinical testing. Allele origin: germline. Affected: yes.
Comment: Not observed in large population cohorts (Lek 2016); In silico analysis, which includes protein predictors and evolutionary conservation, supports a deleterious effect; Has not been previously published as pathogenic or benign to our knowledge

Color Diagnostics, LLC DBA Color Health
Classification: Uncertain significance for Hereditary cancer-predisposing syndrome. Last evaluated: 2019-02-28. Review status: criteria provided, single submitter. Criteria: ACMG Guidelines, 2015. Collection method: clinical testing. Allele origin: germline.